The following is an entry in ClinVar:

ClinVar aggregate classification (germline): Uncertain significance (1 of 4 stars; one submission).

Conditions:
RYR1-related disorder. Also called: RYR1-related condition; RYR1-related disorders. Identifiers: MedGen CN239331.

Submission:

Labcorp Genetics (formerly Invitae), Labcorp
Classification: Uncertain significance for RYR1-related disorder. Last evaluated: 2025-05-07. Review status: criteria provided, single submitter. Criteria: Invitae Variant Classification Sherloc (09022015). Collection method: clinical testing. Allele origin: germline.
Comment: This sequence change replaces arginine, which is basic and polar, with lysine, which is basic and polar, at codon 2399 of the RYR1 protein (p.Arg2399Lys). This variant is not present in population databases (gnomAD no frequency). This variant has not been reported in the literature in individuals affected with RYR1-related conditions. Invitae Evidence Modeling of protein sequence and biophysical properties (such as structural, functional, and spatial information, amino acid conservation, physicochemical variation, residue mobility, and thermodynamic stability) indicates that this missense variant is not expected to disrupt RYR1 protein function with a negative predictive value of 80%. In summary, the available evidence is currently insufficient to determine the role of this variant in disease. Therefore, it has been classified as a Variant of Uncertain Significance.

NM_000540.3(RYR1):c.7196G>A (p.Arg2399Lys)

Gene: RYR1 (ryanodine receptor 1; plus strand). Cytogenetic location: 19q13.2.
Variant type: single nucleotide variant.
Coding change: c.7196G>A on transcript NM_000540.3 (MANE Select); coding-DNA position 7196, G replaced by A.
Protein change: p.Arg2399Lys; replaces arginine 2399 with lysine.
Molecular consequence: missense variant.
Genome position (GRCh38, 1-based): chr19:38,499,803, G>A. VCF-style: chr19-38499803-G-A. GRCh37 (hg19) VCF-style: chr19-38990443-G-A.
Other names: c.7196G>A, p.Arg2399Lys (NM_001042723.2); short protein forms R2399K.
Identifiers: ClinVar variation 4773045 (VCV004773045.1).